The following is an entry in ClinVar:

ClinVar aggregate classification (germline): Uncertain significance. Review status: criteria provided, multiple submitters, no conflicts (2 of 4 stars). 2 submissions from 2 submitters: Uncertain significance (2). Last evaluated 2024-07-15.

Conditions:
ALG9 congenital disorder of glycosylation (CDG1L). Also called: CDG Il; CONGENITAL DISORDER OF GLYCOSYLATION, TYPE Il; ALG9-CDG. Identifiers: Orphanet 79328, MedGen C2931006, MONDO:0012117, OMIM 608776.

Submissions (2):

GeneDx
Classification: Uncertain significance. Last evaluated: 2024-07-15. Review status: criteria provided, single submitter. Criteria: GeneDx Variant Classification Process June 2021. Collection method: clinical testing. Allele origin: germline. Affected: yes.
Comment: Not observed at significant frequency in large population cohorts (gnomAD); In silico analysis supports that this missense variant has a deleterious effect on protein structure/function; Has not been previously published as pathogenic or benign to our knowledge

Labcorp Genetics (formerly Invitae), Labcorp
Classification: Uncertain significance for ALG9 congenital disorder of glycosylation. Last evaluated: 2022-06-06. Review status: criteria provided, single submitter. Criteria: Invitae Variant Classification Sherloc (09022015). Collection method: clinical testing. Allele origin: germline.
Comment: This sequence change replaces serine, which is neutral and polar, with glycine, which is neutral and non-polar, at codon 7 of the ATP6V0A2 protein (p.Ser7Gly). This variant is not present in population databases (gnomAD no frequency). This variant has not been reported in the literature in individuals affected with ATP6V0A2-related conditions. Algorithms developed to predict the effect of missense changes on protein structure and function (SIFT, PolyPhen-2, Align-GVGD) all suggest that this variant is likely to be tolerated. In summary, the available evidence is currently insufficient to determine the role of this variant in disease. Therefore, it has been classified as a Variant of Uncertain Significance.

NM_012463.4(ATP6V0A2):c.19A>G (p.Ser7Gly)

Genes: ATP6V0A2 (ATPase H+ transporting V0 subunit a2; plus strand), LOC130009117 (ATAC-STARR-seq lymphoblastoid silent region 5049; plus strand). Cytogenetic location: 12q24.31.
Variant type: single nucleotide variant.
Coding change: c.19A>G on transcript NM_012463.4 (MANE Select); coding-DNA position 19, A replaced by G.
Protein change: p.Ser7Gly; replaces serine 7 with glycine.
Molecular consequence: missense variant.
Genome position (GRCh38, 1-based): chr12:123,712,584, A>G. VCF-style: chr12-123712584-A-G. GRCh37 (hg19) VCF-style: chr12-124197131-A-G.
Other names: c.19A>G (NM_012463.3); short protein forms S7G.
Identifiers: ClinVar variation 2182887 (VCV002182887.5), dbSNP rs2541822783, ClinGen allele CA387150413.